The following is an entry in ClinVar:

NM_025099.6(CTC1):c.3275A>G (p.His1092Arg)

Gene: CTC1 (CST telomere replication complex component 1; minus strand). Cytogenetic location: 17p13.1.
Variant type: single nucleotide variant.
Coding change: c.3275A>G on transcript NM_025099.6 (MANE Select); coding-DNA position 3275, A replaced by G.
Protein change: p.His1092Arg; replaces histidine 1092 with arginine.
Molecular consequence: missense variant. On other transcripts: non-coding transcript variant (1).
Genome position (GRCh38, 1-based): chr17:8,228,839, T>C on the plus strand (A>G on the coding strand, the complement: CTC1 is on the minus strand). VCF-style: chr17-8228839-T-C. GRCh37 (hg19) VCF-style: chr17-8132157-T-C.
Other names: short protein forms H1092R.
Identifiers: ClinVar variation 951997 (VCV000951997.9), dbSNP rs1986957283, ClinGen allele CA397969332.

ClinVar aggregate classification (germline): Uncertain significance (1 of 4 stars; one submission).

Conditions:
Dyskeratosis congenita. Identifiers: Orphanet 1775, MedGen C0265965, MONDO:0015780.

Submission:

Labcorp Genetics (formerly Invitae), Labcorp
Classification: Uncertain significance for Dyskeratosis congenita. Last evaluated: 2020-05-27. Review status: criteria provided, single submitter. Criteria: Invitae Variant Classification Sherloc (09022015). Collection method: clinical testing. Allele origin: germline.
Comment: This sequence change replaces histidine with arginine at codon 1092 of the CTC1 protein (p.His1092Arg). The histidine residue is highly conserved and there is a small physicochemical difference between histidine and arginine. This variant is not present in population databases (ExAC no frequency). This variant has not been reported in the literature in individuals with CTC1-related conditions. Algorithms developed to predict the effect of missense changes on protein structure and function (SIFT, PolyPhen-2, Align-GVGD) all suggest that this variant is likely to be tolerated, but these predictions have not been confirmed by published functional studies and their clinical significance is uncertain. In summary, the available evidence is currently insufficient to determine the role of this variant in disease. Therefore, it has been classified as a Variant of Uncertain Significance.